The following is an entry in ClinVar:

NM_024422.6(DSC2):c.416C>T (p.Pro139Leu)

Gene: DSC2 (desmocollin 2; minus strand). Cytogenetic location: 18q12.1.
Variant type: single nucleotide variant.
Coding change: c.416C>T on transcript NM_024422.6 (MANE Select); coding-DNA position 416, C replaced by T.
Protein change: p.Pro139Leu; replaces proline 139 with leucine.
Molecular consequence: missense variant. On other transcripts: 5 prime UTR variant (2).
Genome position (GRCh38, 1-based): chr18:31,091,086, G>A on the plus strand (C>T on the coding strand, the complement: DSC2 is on the minus strand). VCF-style: chr18-31091086-G-A. GRCh37 (hg19) VCF-style: chr18-28671049-G-A.
Other names: c.-14C>T (NM_001406506.1, NM_001406507.1); c.416C>T, p.Pro139Leu (NM_004949.5); short protein forms P139L.
Identifiers: ClinVar variation 3073491 (VCV003073491.3), dbSNP rs747883944, ClinGen allele CA038351.
Genomic context (GRCh38, chr18:31,091,086, plus strand): 5'-ACCTGTTGAAGGAAAAGTGGAAAAGGACCCAAGGAGTTTTCTAGCATCGAACAAGGAATT[G>A]GAGCCCATCTTCTCTTGGCGCGCCTTAGAACTTTTTCTTTAGTATGTCTTTTCTTTAGGA-3'
Protein context (NP_077740.1, residues 129-149): VLRRAKRRWA[Pro139Leu]IPCSMLENSL

ClinVar aggregate classification (germline): Uncertain significance. Review status: criteria provided, multiple submitters, no conflicts (2 of 4 stars). 3 submissions from 3 submitters: Uncertain significance (3). Last evaluated 2025-02-12.

Conditions:
Familial isolated arrhythmogenic right ventricular dysplasia. Identifiers: Orphanet 217656, MedGen C4274968, MONDO:0016342.
Arrhythmogenic right ventricular dysplasia 11. Also called: Arrhythmogenic Right Ventricular Dysplasia/Cardiomyopathy11; ARRHYTHMOGENIC RIGHT VENTRICULAR DYSPLASIA, FAMILIAL, 11; Arrhythmogenic right ventricular dysplasia 11 with mild palmoplantar keratoderma and woolly hair. Identifiers: MedGen C1864850, MONDO:0012506, OMIM 610476.

Allele frequency attached by ClinVar (database versions not stated): ExAC 0.00001; gnomAD 0.00001; gnomAD exomes 0.00001.
gnomAD v4.1: 8 of 1,613,914 alleles (0.0005%); highest among the groups gnomAD compares: Non-Finnish European, 0.00017%; no homozygotes.

Submissions (3):

Labcorp Genetics (formerly Invitae), Labcorp
Classification: Uncertain significance for Arrhythmogenic right ventricular dysplasia 11. Last evaluated: 2025-02-12. Review status: criteria provided, single submitter. Criteria: Invitae Variant Classification Sherloc (09022015). Collection method: clinical testing. Allele origin: germline.
Comment: This sequence change replaces proline, which is neutral and non-polar, with leucine, which is neutral and non-polar, at codon 139 of the DSC2 protein (p.Pro139Leu). The frequency data for this variant in the population databases is considered unreliable, as metrics indicate poor data quality at this position in the gnomAD database. This variant has not been reported in the literature in individuals affected with DSC2-related conditions. ClinVar contains an entry for this variant (Variation ID: 3073491). Invitae Evidence Modeling of protein sequence and biophysical properties (such as structural, functional, and spatial information, amino acid conservation, physicochemical variation, residue mobility, and thermodynamic stability) indicates that this missense variant is expected to disrupt DSC2 protein function with a positive predictive value of 80%. In summary, the available evidence is currently insufficient to determine the role of this variant in disease. Therefore, it has been classified as a Variant of Uncertain Significance.

All of Us Research Program, National Institutes of Health
Classification: Uncertain significance for Familial isolated arrhythmogenic right ventricular dysplasia. Last evaluated: 2023-09-17. Review status: criteria provided, single submitter. Criteria: ACMG Guidelines, 2015. Collection method: clinical testing. Allele origin: germline. Inheritance: Autosomal dominant inheritance. Observed: 1 variant allele, 1 heterozygote.
Comment: This missense variant replaces proline with leucine at codon 139 of the DSC2 protein. Computational prediction suggests that this variant may not impact protein structure and function (internally defined REVEL score threshold <= 0.5, PMID: 27666373). To our knowledge, functional studies have not been reported for this variant. This variant has not been reported in individuals affected with DSC2-related disorders in the literature. This variant has been identified in 2/282688 chromosomes in the general population by the Genome Aggregation Database (gnomAD). The available evidence is insufficient to determine the role of this variant in disease conclusively. Therefore, this variant is classified as a Variant of Uncertain Significance.

This study involves interpretation of variants in research participants for the purpose of population health screening. Participant phenotype was not available at the time of variant classification. Additional details can be found in publication PMID: 35346344, PMCID: PMC8962531

Blueprint Genetics
Classification: Uncertain significance. Last evaluated: 2018-05-25. Review status: criteria provided, single submitter. Criteria: ACMG Guidelines, 2015. Collection method: clinical testing. Allele origin: germline.